The following is an entry in ClinVar:

ClinVar aggregate classification (germline): Uncertain significance (1 of 4 stars; one submission).

Conditions:
DICER1-related tumor predisposition. Also called: DICER1 syndrome; DICER1-related pleuropulmonary blastoma cancer predisposition syndrome. Identifiers: Orphanet 284343, MedGen C3839822, MONDO:0100216.

Submission:

Labcorp Genetics (formerly Invitae), Labcorp
Classification: Uncertain significance for DICER1-related tumor predisposition. Last evaluated: 2020-08-24. Review status: criteria provided, single submitter. Criteria: Invitae Variant Classification Sherloc (09022015). Collection method: clinical testing. Allele origin: germline.
Comment: In summary, the available evidence is currently insufficient to determine the role of this variant in disease. Therefore, it has been classified as a Variant of Uncertain Significance. Algorithms developed to predict the effect of sequence changes on RNA splicing suggest that this variant may create or strengthen a splice site, but this prediction has not been confirmed by published transcriptional studies. Algorithms developed to predict the effect of missense changes on protein structure and function are either unavailable or do not agree on the potential impact of this missense change (SIFT: "Deleterious"; PolyPhen-2: "Benign"; Align-GVGD: "Class C25"). This variant has not been reported in the literature in individuals with DICER1-related conditions. This variant is not present in population databases (ExAC no frequency). This sequence change replaces leucine with valine at codon 1735 of the DICER1 protein (p.Leu1735Val). The leucine residue is highly conserved and there is a small physicochemical difference between leucine and valine.

NM_177438.3(DICER1):c.5203C>G (p.Leu1735Val)

Gene: DICER1 (dicer 1, ribonuclease III; minus strand). Cytogenetic location: 14q32.13.
Variant type: single nucleotide variant.
Coding change: c.5203C>G on transcript NM_177438.3 (MANE Select); coding-DNA position 5203, C replaced by G.
Protein change: p.Leu1735Val; replaces leucine 1735 with valine.
Molecular consequence: missense variant.
Genome position (GRCh38, 1-based): chr14:95,094,049, G>C on the plus strand (C>G on the coding strand, the complement: DICER1 is on the minus strand). VCF-style: chr14-95094049-G-C. GRCh37 (hg19) VCF-style: chr14-95560386-G-C.
Other names: c.5203C>G, p.Leu1735Val (NM_001195573.1, NM_001271282.3, NM_001291628.2 and 1 more transcripts); short protein forms L1735V.
Identifiers: ClinVar variation 1035893 (VCV001035893.10), dbSNP rs188609628, ClinGen allele CA390865220.
Genomic context (GRCh38, chr14:95,094,049, plus strand): 5'-GGTAGTCGTACTTTACAGCCAGCGATGCAAAGATGGTGTTGTTGACCAGGGCAGACCGCA[G>C]GTCTGTCAGGACCCCCGGGGAGTGCTGCCGCGGGTCTTCATAAAGGTGCTTGGTTATGAG-3'
Protein context (NP_803187.1, residues 1725-1745): RQHSPGVLTD[Leu1735Val]RSALVNNTIF